The following is an entry in ClinVar:

NM_024598.4(USB1):c.439T>C (p.Ser147Pro)

Gene: USB1 (U6 snRNA biogenesis phosphodiesterase 1; plus strand). Cytogenetic location: 16q21.
Variant type: single nucleotide variant.
Coding change: c.439T>C on transcript NM_024598.4 (MANE Select); coding-DNA position 439, T replaced by C.
Protein change: p.Ser147Pro; replaces serine 147 with proline.
Molecular consequence: missense variant.
Genome position (GRCh38, 1-based): chr16:58,010,102, T>C. VCF-style: chr16-58010102-T-C. GRCh37 (hg19) VCF-style: chr16-58044006-T-C.
Other names: c.286T>C, p.Ser96Pro (NM_001330568.2); c.439T>C, p.Ser147Pro (NM_001330569.2, NM_001195302.2, NM_001204911.2); short protein forms S147P, S96P.
Identifiers: ClinVar variation 4634194 (VCV004634194.1).

ClinVar aggregate classification (germline): Uncertain significance (1 of 4 stars; one submission).

Conditions:
Inborn genetic diseases. Identifiers: MedGen C0950123, MeSH D030342.

Submission:

Ambry Genetics
Classification: Uncertain significance for Inborn genetic diseases. Last evaluated: 2025-10-17. Review status: criteria provided, single submitter. Criteria: Ambry Variant Classification Scheme 2023. Collection method: clinical testing. Allele origin: germline.
Comment: The p.S147P variant (also known as c.439T>C), located in coding exon 3 of the USB1 gene, results from a T to C substitution at nucleotide position 439. The serine at codon 147 is replaced by proline, an amino acid with similar properties. This amino acid position is conserved. In addition, this alteration is predicted to be tolerated by in silico analysis. Based on the available evidence, the clinical significance of this variant remains unclear.